The following is an entry in ClinVar:

NM_004369.4(COL6A3):c.9046G>A (p.Gly3016Ser)

Gene: COL6A3 (collagen type VI alpha 3 chain; minus strand). Cytogenetic location: 2q37.3.
Variant type: single nucleotide variant.
Coding change: c.9046G>A on transcript NM_004369.4 (MANE Select); coding-DNA position 9046, G replaced by A.
Protein change: p.Gly3016Ser; replaces glycine 3016 with serine.
Molecular consequence: missense variant.
Genome position (GRCh38, 1-based): chr2:237,334,809, C>T on the plus strand (G>A on the coding strand, the complement: COL6A3 is on the minus strand). VCF-style: chr2-237334809-C-T. GRCh37 (hg19) VCF-style: chr2-238243452-C-T.
Other names: c.7225G>A, p.Gly2409Ser (NM_057166.5); c.8428G>A, p.Gly2810Ser (NM_057167.4); short protein forms G3016S, G2409S, G2810S.
Identifiers: ClinVar variation 3712426 (VCV003712426.2).

ClinVar aggregate classification (germline): Uncertain significance (1 of 4 stars; one submission).

Conditions:
Bethlem myopathy 1A. Also called: MYOPATHY, BENIGN CONGENITAL, WITH CONTRACTURES; Bethlem myopathy 1; Bethlem Muscular Dystrophy. Identifiers: Orphanet 610, MedGen CN029274, MONDO:0024530, OMIM 158810.

gnomAD v4.1: 7 of 1,614,048 alleles (0.00043%); highest among the groups gnomAD compares: Admixed American, 0.0017%; no homozygotes.

Submission:

Labcorp Genetics (formerly Invitae), Labcorp
Classification: Uncertain significance for Bethlem myopathy 1A. Last evaluated: 2025-09-12. Review status: criteria provided, single submitter. Criteria: Invitae Variant Classification Sherloc (09022015). Collection method: clinical testing. Allele origin: germline.
Comment: This sequence change replaces glycine, which is neutral and non-polar, with serine, which is neutral and polar, at codon 3016 of the COL6A3 protein (p.Gly3016Ser). This variant is not present in population databases (gnomAD no frequency). This variant has not been reported in the literature in individuals affected with COL6A3-related conditions. ClinVar contains an entry for this variant (Variation ID: 3712426). Invitae Evidence Modeling of protein sequence and biophysical properties (such as structural, functional, and spatial information, amino acid conservation, physicochemical variation, residue mobility, and thermodynamic stability) indicates that this missense variant is not expected to disrupt COL6A3 protein function with a negative predictive value of 95%. In summary, the available evidence is currently insufficient to determine the role of this variant in disease. Therefore, it has been classified as a Variant of Uncertain Significance.